The following is an entry in ClinVar:

ClinVar aggregate classification (germline): Pathogenic/Likely pathogenic. Review status: criteria provided, multiple submitters, no conflicts (2 of 4 stars). 13 submissions from 13 submitters: Pathogenic (8); Likely pathogenic (3). 2 of the submissions do not count toward it. Last evaluated 2025-07-28.

Conditions:
Hereditary cancer-predisposing syndrome. Also called: Neoplastic Syndromes, Hereditary; Hereditary neoplastic syndrome; Tumor predisposition; Hereditary Cancer Syndrome. Identifiers: Orphanet 140162, MedGen C0027672, MeSH D009386, MONDO:0015356.
Abnormal central motor function. Identifiers: MedGen C4023354, HP:0011442.
Ataxia-telangiectasia syndrome (AT). Also called: Ataxia telangiectasia (A-T); Cerebello-oculocutaneous telangiectasia; Immunodeficiency with ataxia telangiectasia; LOUIS-BAR SYNDROME; AT, COMPLEMENTATION GROUP C; ATAXIA-TELANGIECTASIA, FRESNO VARIANT. Identifiers: Orphanet 100, MedGen C0004135, MONDO:0008840, OMIM 208900.
Hereditary breast ovarian cancer syndrome. Also called: BRCA1- and BRCA2-Associated Hereditary Breast and Ovarian Cancer; Hereditary breast and/or ovarian cancer syndrome; Hereditary breast and ovarian cancer syndrome (HBOC); Hereditary breast and ovarian cancer syndrome; Hereditary breast and ovarian cancer; Breast and ovarian cancer. Identifiers: Orphanet 145, MedGen C0677776, MeSH D061325, MONDO:0003582. Disease mechanism: loss of function.
Familial cancer of breast. Also called: hereditary breast carcinoma; Hereditary breast cancer; BREAST CANCER, FAMILIAL. Identifiers: Orphanet 227535, MedGen C0346153, MONDO:0016419, OMIM 114480. Disease mechanism: loss of function.

Allele frequency attached by ClinVar (database versions not stated): gnomAD exomes below 0.00001; ExAC 0.00001.
gnomAD v4.1: 5 of 1,613,598 alleles (0.00031%); highest among the groups gnomAD compares: Non-Finnish European, 0.00042%; no homozygotes.

Submissions (13):

Natera, Inc.
Classification: Pathogenic for Ataxia-telangiectasia. Last evaluated: 2025-07-28. Review status: criteria provided, single submitter. Criteria: Natera Variant Classification Schema (03/2026). Collection method: clinical testing. Allele origin: germline.
Comment: The c.6198+1G>A variant in ATM is a canonical splice donor site variant predicted to affect pre-mRNA splicing, which may result in an abnormal transcript and altered protein product. This variant is expected to result in nonsense mediated decay, truncation, or a dysfunctional protein product. This variant is rare in the general population with a frequency below the threshold expected for the associated phenotype(s). This variant has been observed in one or more individuals affected with the associated recessive disease, as either homozygous or compound heterozygous with a second variant (PMID: 30549301, 26915675). Given the available evidence, this variant is classified as Pathogenic.

Labcorp Genetics (formerly Invitae), Labcorp
Classification: Pathogenic for Ataxia-telangiectasia syndrome. Last evaluated: 2024-05-22. Review status: criteria provided, single submitter. Criteria: Invitae Variant Classification Sherloc (09022015). Collection method: clinical testing. Allele origin: germline.
Comment: This sequence change affects a donor splice site in intron 42 of the ATM gene. It is expected to disrupt RNA splicing. Variants that disrupt the donor or acceptor splice site typically lead to a loss of protein function (PMID: 16199547), and loss-of-function variants in ATM are known to be pathogenic (PMID: 23807571, 25614872). This variant is present in population databases (rs778031266, gnomAD 0.0009%). Disruption of this splice site has been observed in individuals with ataxia telangiectasia. In addition, it has been reported as heterozygous in individuals affected with ATM-related cancers (PMID: 9463314, 16832357, 21459046, 21792198, 26220245, 26915675, 29909963, 30549301). This variant is also known as IVS44+1G>A. ClinVar contains an entry for this variant (Variation ID: 221911). Algorithms developed to predict the effect of sequence changes on RNA splicing suggest that this variant may disrupt the consensus splice site. For these reasons, this variant has been classified as Pathogenic.

Genomic Medicine Center of Excellence, King Faisal Specialist Hospital and Research Centre
Classification: Pathogenic for Ataxia-telangiectasia syndrome. Last evaluated: 2024-03-14. Review status: criteria provided, single submitter. Criteria: ACMG Guidelines, 2015. Collection method: research. Allele origin: germline.

Baylor Genetics
Classification: Pathogenic for Familial cancer of breast. Last evaluated: 2024-03-11. Review status: criteria provided, single submitter. Criteria: ACMG Guidelines, 2015. Collection method: clinical testing. Allele origin: unknown.

Myriad Genetics, Inc.
Classification: Likely pathogenic for Familial cancer of breast. Last evaluated: 2024-01-29. Review status: criteria provided, single submitter. Criteria: Myriad Autosomal Dominant, Autosomal Recessive and X-Linked Classification Criteria (2023). Collection method: clinical testing. Allele origin: unknown.
Comment: This variant is considered likely pathogenic. This variant occurs within a consensus splice junction and is predicted to result in abnormal mRNA splicing of either an out-of-frame exon or an in-frame exon necessary for protein stability and/or normal function.

Ambry Genetics
Classification: Pathogenic for Hereditary cancer-predisposing syndrome. Last evaluated: 2023-07-19. Review status: criteria provided, single submitter. Criteria: Ambry Variant Classification Scheme 2023. Collection method: clinical testing. Allele origin: germline.
Comment: The c.6198+1G>A intronic pathogenic mutation results from a G to A substitution one nucleotide after coding exon 41 of the ATM gene. This mutation was detected in two ataxia-telangiectasia (AT) patients, although a second pathogenic ATM mutation was not detected in either individual (Stankovic T et al, Am. J. Hum. Genet. 1998 Feb; 62(2):334-45; Reiman A, Br. J. Cancer 2011 Aug; 105(4):586-91). In addition, this mutation was identified in a breast cancer family (Renwick A, Nat. Genet. 2006 Aug; 38(8):873-5). This variant is considered to be rare based on population cohorts in the Genome Aggregation Database (gnomAD). Furthermore, this nucleotide position is highly conserved in available vertebrate species. In silico splice site analysis predicts that this alteration will weaken the native splice donor site; however, direct evidence is insufficient at this time (Ambry internal data). Alterations that disrupt the canonical splice site are expected to cause aberrant splicing, resulting in an abnormal protein or a transcript that is subject to nonsense-mediated mRNA decay. As such, this alteration is classified as a disease-causing mutation.

GeneDx
Classification: Pathogenic. Last evaluated: 2022-03-16. Review status: criteria provided, single submitter. Criteria: GeneDx Variant Classification Process June 2021. Collection method: clinical testing. Allele origin: germline. Affected: yes.
Comment: Canonical splice site variant predicted to result in a null allele in a gene for which loss-of-function is a known mechanism of disease; Identified in the homozygous state or with a second ATM variant in individuals with ataxia telangiectasia or other ATM-related disorders, including patients exhibiting reduced ATM protein and kinase activity (Stankovic 1998, Exley 2011, Reiman 2011, Al-Mousa 2016, Schon 2019, Amirifar 2021); Observed in the heterozygous state in individuals with breast and other cancers (Renwick 2006, Caminsky 2016, Whitworth 2018, Dorling 2021); Not observed at significant frequency in large population cohorts (gnomAD); Also known as IVS44+1G>A; This variant is associated with the following publications: (PMID: 9463314, 21459046, 26898890, 21792198, 33471991, 33547824, 26915675, 16832357, 29909963, 30549301, 26220245)

Color Diagnostics, LLC DBA Color Health
Classification: Likely pathogenic for Hereditary cancer-predisposing syndrome. Last evaluated: 2022-03-08. Review status: criteria provided, single submitter. Criteria: ACMG Guidelines, 2015. Collection method: clinical testing. Allele origin: germline.
Comment: This variant causes a G to A nucleotide substitution at the +1 position of intron 42 of the ATM gene. Splice site prediction tools predict that this variant may have a significant impact on RNA splicing. Although this prediction has not been confirmed in published RNA studies, this variant is expected to result in an absent or disrupted protein product. This variant has been reported in an individual with a family history and/or affected with hereditary breast and ovarian cancer (PMID: 26898890). This variant has also been reported in multiple individuals with ataxia-telangiectasia, with at least one case confirmed in trans with a known pathogenic mutation in ATM (PMID: 9463314, 21459046, 21792198, 30549301, 33547824). This variant has been identified in 1/251016 chromosomes in the general population by the Genome Aggregation Database (gnomAD). Loss of ATM function is a known mechanism of disease. Based on the available evidence, this variant is classified as Likely Pathogenic.

Women's Health and Genetics/Laboratory Corporation of America, LabCorp
Classification: Pathogenic for Ataxia-telangiectasia syndrome. Last evaluated: 2022-02-14. Review status: criteria provided, single submitter. Criteria: LabCorp Variant Classification Summary - May 2015. Collection method: clinical testing. Allele origin: germline.
Comment: Variant summary: ATM c.6198+1G>A is located in a canonical splice-site and is predicted to affect mRNA splicing resulting in a significantly altered protein due to either exon skipping, shortening, or inclusion of intronic material. Several computational tools predict a significant impact on normal splicing: Four predict the variant abolishes a 5 prime splicing donor site. However, these predictions have yet to be confirmed by functional studies. The variant allele was found at a frequency of 4e-06 in 251016 control chromosomes. c.6198+1G>A has been reported in the literature in individuals affected with Ataxia-Telangiectasia, multiple primary tumor, or breast cancer (e.g. Stankovic_1998, Whitworth_2018, Schon_2019, Dorling_2021). These data indicate that the variant is likely to be associated with disease. To our knowledge, no experimental evidence demonstrating an impact on protein function has been reported. Eight clinical diagnostic laboratories have submitted clinical-significance assessments for this variant to ClinVar after 2014 without evidence for independent evaluation. All laboratories classified the variant as pathogenic/likely pathogenic. Based on the evidence outlined above, the variant was classified as pathogenic.

Kariminejad - Najmabadi Pathology & Genetics Center
Classification: Pathogenic for Abnormal central motor function. Last evaluated: 2021-07-10. Review status: criteria provided, single submitter. Criteria: ACMG Guidelines, 2015. Collection method: clinical testing. Allele origin: germline. Affected: yes.

Academic Department of Medical Genetics, University of Cambridge
Classification: Likely pathogenic for Hereditary cancer-predisposing syndrome. Last evaluated: 2018-01-26. Review status: criteria provided, single submitter. Criteria: ACMG Guidelines, 2015. Collection method: research. Allele origin: germline. Affected: yes. Observed: 1 heterozygote.
Comment: Application of AMCG guidelines 2015. Used other ClinVar submission evidence where relevant. Loss of heterozygosity in tumours or immunohistochemistry abnormalities considered functional evidence of pathogenicity.

Identified as part of research study of individuals with multiple primary tumours referred for genetic assessment

Counsyl
Classification: Pathogenic for Ataxia-telangiectasia syndrome. Last evaluated: 2017-07-25. Review status: no assertion criteria provided. Collection method: clinical testing. Allele origin: unknown. Not counted in ClinVar's aggregate classification.

Dr. Peter K. Rogan Lab, Western University
Classification: Likely pathogenic for Hereditary breast ovarian cancer syndrome. Last evaluated: 2015-12-22. Review status: no assertion criteria provided. Collection method: research. Allele origin: unknown. Affected: yes. Observed: 1 variant allele. Study: Caminsky_2016. Not counted in ClinVar's aggregate classification.

Literature cited by the submitters: PubMed 30549301 (cited by 5 submitters); PubMed 26915675 (cited by 3 submitters); PubMed 16199547 (cited by Labcorp Genetics (formerly Invitae), Labcorp); PubMed 23807571 (cited by Labcorp Genetics (formerly Invitae), Labcorp); PubMed 25614872 (cited by Labcorp Genetics (formerly Invitae), Labcorp); PubMed 9463314 (cited by 5 submitters); PubMed 16832357 (cited by Labcorp Genetics (formerly Invitae), Labcorp and Ambry Genetics); PubMed 21459046 (cited by 4 submitters); PubMed 21792198 (cited by 4 submitters); PubMed 26220245 (cited by Labcorp Genetics (formerly Invitae), Labcorp and Ambry Genetics); PubMed 29909963 (cited by Labcorp Genetics (formerly Invitae), Labcorp and Women's Health and Genetics/Laboratory Corporation of America, LabCorp); PubMed 26898890 (cited by Color Diagnostics, LLC DBA Color Health and Dr. Peter K. Rogan Lab, Western University); PubMed 33547824 (cited by Color Diagnostics, LLC DBA Color Health); PubMed 33471991 (cited by Women's Health and Genetics/Laboratory Corporation of America, LabCorp).

NM_000051.4(ATM):c.6198+1G>A

Genes: ATM (ATM serine/threonine kinase; plus strand), C11orf65 (chromosome 11 open reading frame 65; minus strand). Cytogenetic location: 11q22.3.
Variant type: single nucleotide variant.
Coding change: c.6198+1G>A on transcript NM_000051.4 (MANE Select); the canonical splice donor site of the intron after coding-DNA position 6198, G replaced by A.
Molecular consequence: splice donor variant. On other transcripts: intron variant (2).
Genome position (GRCh38, 1-based): chr11:108,316,114, G>A. VCF-style: chr11-108316114-G-A. GRCh37 (hg19) VCF-style: chr11-108186841-G-A.
Other names: c.6198+1G>A (NM_001351834.2); c.641-7043C>T (NM_001330368.2); c.*39-7043C>T (NM_001351110.2).
Identifiers: ClinVar variation 221911 (VCV000221911.47), dbSNP rs778031266, ClinGen allele CA6265875.